The following is an entry in ClinVar:

ClinVar aggregate classification (germline): Uncertain significance (1 of 4 stars; one submission).

Submission:

GeneDx
Classification: Uncertain significance. Last evaluated: 2022-12-22. Review status: criteria provided, single submitter. Criteria: GeneDx Variant Classification Process June 2021. Collection method: clinical testing. Allele origin: germline. Affected: yes.
Comment: Not observed at significant frequency in large population cohorts (gnomAD); In silico analysis supports that this missense variant has a deleterious effect on protein structure/function; Has not been previously published as pathogenic or benign to our knowledge

NM_004818.3(DDX23):c.298G>A (p.Asp100Asn)

Gene: DDX23 (DEAD-box helicase 23; minus strand). Cytogenetic location: 12q13.12.
Variant type: single nucleotide variant.
Coding change: c.298G>A on transcript NM_004818.3 (MANE Select); coding-DNA position 298, G replaced by A.
Protein change: p.Asp100Asn; replaces aspartic acid 100 with asparagine.
Molecular consequence: missense variant.
Genome position (GRCh38, 1-based): chr12:48,843,962, C>T on the plus strand (G>A on the coding strand, the complement: DDX23 is on the minus strand). VCF-style: chr12-48843962-C-T. GRCh37 (hg19) VCF-style: chr12-49237745-C-T.
Other names: short protein forms D100N.
Identifiers: ClinVar variation 2506699 (VCV002506699.1), dbSNP rs1189150431, ClinGen allele CA384684878.
Genomic context (GRCh38, chr12:48,843,962, plus strand): 5'-AGCATTCCCCTAAAGCCCCCTCTCATTCCTTCATGTACCTGGATCGTTTACGGTCCTTGT[C>T]CCGTCTGTGCCCATCCTTGTCTCGATCTCGGTCCTTCTTATTCCGATCCCGCTCCTTATC-3'
Protein context (NP_004809.2, residues 90-110): RDRDKDGHRR[Asp100Asn]KDRKRSSLSP